The following is an entry in ClinVar:

ClinVar aggregate classification (germline): Uncertain significance (1 of 4 stars; one submission).

Submission:

GeneDx
Classification: Uncertain significance. Last evaluated: 2026-03-21. Review status: criteria provided, single submitter. Criteria: GeneDx Variant Classification Process June 2021. Collection method: clinical testing. Allele origin: germline.
Comment: Not observed at significant frequency in large population cohorts (gnomAD); In silico analysis supports that this missense variant has a deleterious effect on protein structure/function; Has not been previously published as pathogenic or benign to our knowledge

NM_021629.4(GNB4):c.605G>A (p.Gly202Asp)

Gene: GNB4 (G protein subunit beta 4; minus strand). Cytogenetic location: 3q26.33.
Variant type: single nucleotide variant.
Coding change: c.605G>A on transcript NM_021629.4 (MANE Select); coding-DNA position 605, G replaced by A.
Protein change: p.Gly202Asp; replaces glycine 202 with aspartic acid.
Molecular consequence: missense variant.
Genome position (GRCh38, 1-based): chr3:179,413,506, C>T on the plus strand (G>A on the coding strand, the complement: GNB4 is on the minus strand). VCF-style: chr3-179413506-C-T. GRCh37 (hg19) VCF-style: chr3-179131294-C-T.
Other names: short protein forms G202D.
Identifiers: ClinVar variation 5009534 (VCV005009534.1).
Genomic context (GRCh38, chr3:179,413,506, plus strand): 5'-AAAGACTGTCTACACATTCCATCTCGAATATCCCATAATTTGGAAGAGGCATCACAAGCA[C>T]CAGAAACAAAAGTCCTCATGTCAGGACTCAAAGAAAGACTCATCACATCTCCAGAATGCC-3'
Protein context (NP_067642.1, residues 192-212): LSPDMRTFVS[Gly202Asp]ACDASSKLWD